The following is an entry in ClinVar:

NM_006642.5(SDCCAG8):c.1068+3A>G

Gene: SDCCAG8 (SHH signaling and ciliogenesis regulator SDCCAG8; plus strand). Cytogenetic location: 1q43.
Variant type: single nucleotide variant.
Coding change: c.1068+3A>G on transcript NM_006642.5 (MANE Select); 3 bases into the intron after coding-DNA position 1068, A replaced by G.
Molecular consequence: intron variant.
Genome position (GRCh38, 1-based): chr1:243,316,896, A>G. VCF-style: chr1-243316896-A-G. GRCh37 (hg19) VCF-style: chr1-243480198-A-G.
Other names: c.774+3A>G (NM_001350249.2); c.165+3A>G (NM_001350251.2, NM_001350246.2, NM_001350247.2); c.1164+3A>G (NM_001350248.2).
Identifiers: ClinVar variation 844737 (VCV000844737.8), dbSNP rs201388041, ClinGen allele CA1483522.

ClinVar aggregate classification (germline): Conflicting classifications of pathogenicity. Review status: criteria provided, conflicting classifications (1 of 4 stars). 4 submissions from 4 submitters: Uncertain significance (3); Likely benign (1). Last evaluated 2025-02-05.

Conditions:
Senior-Loken syndrome 7 (SLSN7). Identifiers: Orphanet 3156, MedGen C3150877, MONDO:0013326, OMIM 613615.
Bardet-Biedl syndrome 16 (BBS16). Identifiers: Orphanet 110, MedGen C3889474, MONDO:0014444, OMIM 615993.

Allele frequency attached by ClinVar (database versions not stated): ExAC 0.00002; gnomAD exomes 0.00004; 1000 Genomes Project 30x 0.00016; 1000 Genomes Project 0.00020; gnomAD 0.00022 and 0.00024; TOPMed 0.00040.
gnomAD v4.1: 101 of 1,613,902 alleles (0.0063%); highest among the groups gnomAD compares: Admixed American, 0.062%; no homozygotes.

Submissions (4):

Revvity Omics, Revvity
Classification: Uncertain significance. Last evaluated: 2025-02-05. Review status: criteria provided, single submitter. Criteria: ACMG Guidelines, 2015. Collection method: clinical testing. Allele origin: germline.

Blueprint Genetics
Classification: Likely benign. Last evaluated: 2024-08-01. Review status: criteria provided, single submitter. Criteria: ACMG Guidelines, 2015. Collection method: clinical testing. Allele origin: germline.

Women's Health and Genetics/Laboratory Corporation of America, LabCorp
Classification: Uncertain significance. Last evaluated: 2024-05-26. Review status: criteria provided, single submitter. Criteria: LabCorp Variant Classification Summary - May 2015. Collection method: clinical testing. Allele origin: germline.

Labcorp Genetics (formerly Invitae), Labcorp
Classification: Uncertain significance for Bardet-Biedl syndrome 16; Senior-Loken syndrome 7. Last evaluated: 2022-07-19. Review status: criteria provided, single submitter. Criteria: Invitae Variant Classification Sherloc (09022015). Collection method: clinical testing. Allele origin: germline.
Comment: This sequence change falls in intron 9 of the SDCCAG8 gene. It does not directly change the encoded amino acid sequence of the SDCCAG8 protein. It affects a nucleotide within the consensus splice site. This variant is present in population databases (rs201388041, gnomAD 0.009%). This variant has not been reported in the literature in individuals affected with SDCCAG8-related conditions. ClinVar contains an entry for this variant (Variation ID: 844737). Variants that disrupt the consensus splice site are a relatively common cause of aberrant splicing (PMID: 17576681, 9536098). Algorithms developed to predict the effect of sequence changes on RNA splicing suggest that this variant may disrupt the consensus splice site. In summary, the available evidence is currently insufficient to determine the role of this variant in disease. Therefore, it has been classified as a Variant of Uncertain Significance.

Literature cited by the submitters: PubMed 17576681 (cited by Labcorp Genetics (formerly Invitae), Labcorp); PubMed 9536098 (cited by Labcorp Genetics (formerly Invitae), Labcorp).